The following is an entry in ClinVar:

ClinVar aggregate classification (germline): Likely benign (0 of 4 stars; one submission).

Conditions:
MYO9A-related disorder. Also called: MYO9A-related condition.

Allele frequency attached by ClinVar (database versions not stated): gnomAD 0.00004.
gnomAD v4.1: 43 of 1,613,568 alleles (0.0027%); highest among the groups gnomAD compares: Admixed American, 0.017%; no homozygotes.

Submission:

PreventionGenetics, part of Exact Sciences
Classification: Likely benign for MYO9A-related condition. Last evaluated: 2019-06-26. Review status: no assertion criteria provided. Collection method: clinical testing. Allele origin: germline.
Comment: This variant is classified as likely benign based on ACMG/AMP sequence variant interpretation guidelines (Richards et al. 2015 PMID: 25741868, with internal and published modifications).

NM_006901.4(MYO9A):c.5001G>A (p.Arg1667=)

Gene: MYO9A (myosin IXA; minus strand). Cytogenetic location: 15q23.
Variant type: single nucleotide variant.
Coding change: c.5001G>A on transcript NM_006901.4 (MANE Select); coding-DNA position 5001, G replaced by A.
Protein change: p.Arg1667=; no amino-acid change (arginine 1667 retained).
Molecular consequence: synonymous variant.
Genome position (GRCh38, 1-based): chr15:71,897,502, C>T on the plus strand (G>A on the coding strand, the complement: MYO9A is on the minus strand). VCF-style: chr15-71897502-C-T. GRCh37 (hg19) VCF-style: chr15-72189843-C-T.
Identifiers: ClinVar variation 3043472 (VCV003043472.2), dbSNP rs199824222, ClinGen allele CA7641288.